The following is an entry in ClinVar:

NM_016011.5(MECR):c.350G>A (p.Ser117Asn)

Gene: MECR (mitochondrial trans-2-enoyl-CoA reductase; minus strand). Cytogenetic location: 1p35.3.
Variant type: single nucleotide variant.
Coding change: c.350G>A on transcript NM_016011.5 (MANE Select); coding-DNA position 350, G replaced by A.
Protein change: p.Ser117Asn; replaces serine 117 with asparagine.
Molecular consequence: missense variant. On other transcripts: non-coding transcript variant (4).
Genome position (GRCh38, 1-based): chr1:29,216,061, C>T on the plus strand (G>A on the coding strand, the complement: MECR is on the minus strand). VCF-style: chr1-29216061-C-T. GRCh37 (hg19) VCF-style: chr1-29542573-C-T.
Other names: c.122G>A, p.Ser41Asn (NM_001024732.4, NM_001349711.2, NM_001349712.2 and 2 more transcripts); c.455G>A, p.Ser152Asn (NM_001349715.2); c.434G>A, p.Ser145Asn (NM_001349716.2); c.200G>A, p.Ser67Asn (NM_001349717.2); short protein forms S117N, S145N, S152N, S41N, S67N.
Identifiers: ClinVar variation 4975612 (VCV004975612.1).
Genomic context (GRCh38, chr1:29,216,061, plus strand): 5'-TCACCTAAACCAGCATTTGCTGGAATCACCCAGTCTCCTGGCTTCAGCCCGGTCACATTG[C>T]TGCCCACCGCTACCACCTGTGCAACACCTTCGTTCCCTCCAACAGCAGGCAGTTCAGGAA-3'
Protein context (NP_057095.4, residues 107-127): EGVAQVVAVG[Ser117Asn]NVTGLKPGDW

ClinVar aggregate classification (germline): Uncertain significance (1 of 4 stars; one submission).

gnomAD v4.1: 14 of 1,614,074 alleles (0.00087%); highest among the groups gnomAD compares: Admixed American, 0.017%; no homozygotes.

Submission:

GeneDx
Classification: Uncertain significance. Last evaluated: 2026-01-24. Review status: criteria provided, single submitter. Criteria: GeneDx Variant Classification Process June 2021. Collection method: clinical testing. Allele origin: germline.
Comment: In silico analysis suggests that this missense variant does not alter protein structure/function; Has not been previously published as pathogenic or benign to our knowledge